The following is an entry in ClinVar:

ClinVar aggregate classification (germline): Uncertain significance (1 of 4 stars; one submission).

Allele frequency attached by ClinVar (database versions not stated): TOPMed 0.00001.
gnomAD v4.1: 23 of 1,614,000 alleles (0.0014%); highest among the groups gnomAD compares: East Asian, 0.025%; no homozygotes.

Submission:

Labcorp Genetics (formerly Invitae), Labcorp
Classification: Uncertain significance. Last evaluated: 2020-02-14. Review status: criteria provided, single submitter. Criteria: Invitae Variant Classification Sherloc (09022015). Collection method: clinical testing. Allele origin: germline.
Comment: This sequence change replaces arginine with histidine at codon 1828 of the HSPG2 protein (p.Arg1828His). The arginine residue is weakly conserved and there is a small physicochemical difference between arginine and histidine. This variant is present in population databases (rs745892835, ExAC 0.03%). This variant has not been reported in the literature in individuals with HSPG2-related conditions. Algorithms developed to predict the effect of missense changes on protein structure and function are either unavailable or do not agree on the potential impact of this missense change (SIFT: "Deleterious"; PolyPhen-2: "Probably Damaging"; Align-GVGD: "Class C0"). In summary, the available evidence is currently insufficient to determine the role of this variant in disease. Therefore, it has been classified as a Variant of Uncertain Significance.

NM_005529.7(HSPG2):c.5483G>A (p.Arg1828His)

Gene: HSPG2 (heparan sulfate proteoglycan 2; minus strand). Cytogenetic location: 1p36.12.
Variant type: single nucleotide variant.
Coding change: c.5483G>A on transcript NM_005529.7 (MANE Select); coding-DNA position 5483, G replaced by A.
Protein change: p.Arg1828His; replaces arginine 1828 with histidine.
Molecular consequence: missense variant.
Genome position (GRCh38, 1-based): chr1:21,857,107, C>T on the plus strand (G>A on the coding strand, the complement: HSPG2 is on the minus strand). VCF-style: chr1-21857107-C-T. GRCh37 (hg19) VCF-style: chr1-22183600-C-T.
Other names: c.5486G>A, p.Arg1829His (NM_001291860.2); short protein forms R1828H, R1829H.
Identifiers: ClinVar variation 1019267 (VCV001019267.9), dbSNP rs745892835, ClinGen allele CA671915.